The following is an entry in ClinVar:

NM_024570.4(RNASEH2B):c.79G>A (p.Ala27Thr)

Gene: RNASEH2B (ribonuclease H2 subunit B; plus strand). Cytogenetic location: 13q14.3.
Variant type: single nucleotide variant.
Coding change: c.79G>A on transcript NM_024570.4 (MANE Select); coding-DNA position 79, G replaced by A.
Protein change: p.Ala27Thr; replaces alanine 27 with threonine.
Molecular consequence: missense variant.
Genome position (GRCh38, 1-based): chr13:50,927,421, G>A. VCF-style: chr13-50927421-G-A. GRCh37 (hg19) VCF-style: chr13-51501557-G-A.
Other names: c.79G>A, p.Ala27Thr (NM_001142279.2, NM_001411023.1); short protein forms A27T.
Identifiers: ClinVar variation 1904392 (VCV001904392.2), dbSNP rs763308917, ClinGen allele CA249996414.
Genomic context (GRCh38, chr13:50,927,421, plus strand): 5'-AAACAGCTGTGTGTTTTAATTTTAGATATTCACGGTTTATTTTCAGAATATTTAAAAGAT[G>A]CTTCAAAGAAGATGAAAAATGGGCTAATGTTTGTAAAACTGGTTAACCCCTGTTCAGGTA-3'
Protein context (NP_078846.2, residues 17-37): VFLVSEYLKD[Ala27Thr]SKKMKNGLMF

ClinVar aggregate classification (germline): Uncertain significance (1 of 4 stars; one submission).

Conditions:
Aicardi-Goutieres syndrome 2. Identifiers: Orphanet 51, MedGen C3489724, MONDO:0012429, OMIM 610181.

Allele frequency attached by ClinVar (database versions not stated): gnomAD exomes 0.00001.

Submission:

Labcorp Genetics (formerly Invitae), Labcorp
Classification: Uncertain significance for Aicardi-Goutieres syndrome 2. Last evaluated: 2022-04-28. Review status: criteria provided, single submitter. Criteria: Invitae Variant Classification Sherloc (09022015). Collection method: clinical testing. Allele origin: germline.
Comment: This sequence change replaces alanine, which is neutral and non-polar, with threonine, which is neutral and polar, at codon 27 of the RNASEH2B protein (p.Ala27Thr). This variant is not present in population databases (gnomAD no frequency). This variant has not been reported in the literature in individuals affected with RNASEH2B-related conditions. Algorithms developed to predict the effect of missense changes on protein structure and function output the following: SIFT: "Tolerated"; PolyPhen-2: "Benign"; Align-GVGD: "Class C0". The threonine amino acid residue is found in multiple mammalian species, which suggests that this missense change does not adversely affect protein function. In summary, the available evidence is currently insufficient to determine the role of this variant in disease. Therefore, it has been classified as a Variant of Uncertain Significance.